The following is an entry in ClinVar:

NM_001370466.1(NOD2):c.-8-25G>T

Gene: NOD2 (nucleotide binding oligomerization domain containing 2; plus strand). Cytogenetic location: 16q12.1.
Variant type: single nucleotide variant.
Coding change: c.-8-25G>T on transcript NM_001370466.1 (MANE Select); 25 bases into the intron before 8 bases upstream of the start codon, G replaced by T.
Molecular consequence: intron variant. On other transcripts: 5 prime UTR variant (1).
Genome position (GRCh38, 1-based): chr16:50,699,463, G>T. VCF-style: chr16-50699463-G-T. GRCh37 (hg19) VCF-style: chr16-50733374-G-T.
Other names: c.-33G>T (NM_001293557.2); c.74-25G>T (NM_022162.3).
Identifiers: ClinVar variation 2628228 (VCV002628228.2), dbSNP rs2076753, ClinGen allele CA8051188.

ClinVar aggregate classification (germline): Benign (1 of 4 stars; one submission).

Allele frequency attached by ClinVar (database versions not stated): 1000 Genomes Project 0.11562; 1000 Genomes Project 30x 0.12117; TOPMed 0.18822; ExAC 0.19815; ESP Exome Variant Server 0.21198.

Submission:

Unidad de Genómica Garrahan, Hospital de Pediatría Garrahan
Classification: Benign. Last evaluated: 2023-11-12. Review status: criteria provided, single submitter. Criteria: ACMG Guidelines, 2015. Collection method: clinical testing. Allele origin: germline. Affected: no. Observed: 32 variant alleles.
Comment: This variant is classified as Benign based on local population frequency. This variant was detected in 33% of patients studied by a panel of primary immunodeficiencies. Number of patients: 32. Only high quality variants are reported.